The following is an entry in ClinVar:

NM_017780.4(CHD7):c.8189C>A (p.Ala2730Glu)

Gene: CHD7 (chromodomain helicase DNA binding protein 7; plus strand). Cytogenetic location: 8q12.2.
Variant type: single nucleotide variant.
Coding change: c.8189C>A on transcript NM_017780.4 (MANE Select); coding-DNA position 8189, C replaced by A.
Protein change: p.Ala2730Glu; replaces alanine 2730 with glutamic acid.
Molecular consequence: missense variant.
Genome position (GRCh38, 1-based): chr8:60,865,128, C>A. VCF-style: chr8-60865128-C-A. GRCh37 (hg19) VCF-style: chr8-61777687-C-A.
Other names: c.8189C>A (NM_017780.2); c.2042C>A, p.Ala681Glu (NM_001316690.1); short protein forms A2730E, A681E.
Identifiers: ClinVar variation 1400843 (VCV001400843.10), dbSNP rs779381935, ClinGen allele CA4760963.

ClinVar aggregate classification (germline): Conflicting classifications of pathogenicity. Review status: criteria provided, conflicting classifications (1 of 4 stars). 2 submissions from 2 submitters: Uncertain significance (1); Benign (1). Last evaluated 2025-08-24.

Conditions:
CHARGE syndrome (CHARGE). Also called: Hittner Hirsch Kreh syndrome; CHARGE ASSOCIATION--COLOBOMA, HEART ANOMALY, CHOANAL ATRESIA, RETARDATION, GENITAL AND EAR ANOMALIES; Coloboma, heart anomaly, choanal atresia, retardation, genital and ear anomalies; CHARGE association; Hall-Hittner syndrome. Identifiers: Orphanet 138, MedGen C0265354, MONDO:0008965.

Allele frequency attached by ClinVar (database versions not stated): gnomAD 0.00001; 1000 Genomes Project 30x 0.00016.
gnomAD v4.1: 1 of 1,610,790 alleles (0.000062%); highest among the groups gnomAD compares: African/African-American, 0.0013%; no homozygotes.

Submissions (2):

GeneDx
Classification: Uncertain significance. Last evaluated: 2025-08-24. Review status: criteria provided, single submitter. Criteria: GeneDx Variant Classification Process June 2021. Collection method: clinical testing. Allele origin: germline.
Comment: Not observed at significant frequency in large population cohorts (gnomAD); In silico analysis suggests that this missense variant does not alter protein structure/function; Has not been previously published as pathogenic or benign to our knowledge

Labcorp Genetics (formerly Invitae), Labcorp
Classification: Benign for CHARGE syndrome. Last evaluated: 2022-12-06. Review status: criteria provided, single submitter. Criteria: Invitae Variant Classification Sherloc (09022015). Collection method: clinical testing. Allele origin: germline.